The following is an entry in ClinVar:

ClinVar aggregate classification (germline): Conflicting classifications of pathogenicity. Review status: criteria provided, conflicting classifications (1 of 4 stars). 4 submissions from 4 submitters: Uncertain significance (3); Likely benign (1). Last evaluated 2025-11-19.

Conditions:
Multiple endocrine neoplasia, type 1 (MEN1). Also called: MEN I; WERMER SYNDROME; Endocrine adenomatosis multiple; MEN 1; MEA I. Identifiers: Orphanet 652, MedGen C0025267, MeSH D018761, MONDO:0007540, OMIM 131100.
Hereditary cancer-predisposing syndrome. Also called: Neoplastic Syndromes, Hereditary; Hereditary Cancer Syndrome; Hereditary neoplastic syndrome; Tumor predisposition. Identifiers: Orphanet 140162, MedGen C0027672, MeSH D009386, MONDO:0015356.

Allele frequency attached by ClinVar (database versions not stated): gnomAD exomes 0.00001; ExAC 0.00002; ESP Exome Variant Server 0.00008.

Submissions (4):

Ambry Genetics
Classification: Uncertain significance for Hereditary cancer-predisposing syndrome. Last evaluated: 2025-11-19. Review status: criteria provided, single submitter. Criteria: Ambry Variant Classification Scheme 2023. Collection method: clinical testing. Allele origin: germline.
Comment: The p.R314W variant (also known as c.940C>T), located in coding exon 6 of the MEN1 gene, results from a C to T substitution at nucleotide position 940. The arginine at codon 314 is replaced by tryptophan, an amino acid with dissimilar properties. This amino acid position is not well conserved in available vertebrate species. In addition, the in silico prediction for this alteration is inconclusive. Based on the available evidence, the clinical significance of this variant remains unclear.

Labcorp Genetics (formerly Invitae), Labcorp
Classification: Likely benign for Multiple endocrine neoplasia, type 1. Last evaluated: 2025-06-02. Review status: criteria provided, single submitter. Criteria: Invitae Variant Classification Sherloc (09022015). Collection method: clinical testing. Allele origin: germline.

All of Us Research Program, National Institutes of Health
Classification: Uncertain significance for Multiple endocrine neoplasia, type 1. Last evaluated: 2024-01-03. Review status: criteria provided, single submitter. Criteria: ACMG Guidelines, 2015. Collection method: clinical testing. Allele origin: germline. Inheritance: Autosomal dominant inheritance. Observed: 2 variant alleles, 2 heterozygotes.
Comment: This missense variant replaces arginine with tryptophan at codon 314 of the MEN1 protein. Computational prediction is inconclusive regarding the impact of this variant on protein structure and function (internally defined REVEL score threshold 0.5 < inconclusive < 0.7, PMID: 27666373). To our knowledge, functional studies have not been reported for this variant. This variant has not been reported in individuals affected with MEN1-related disorders in the literature. This variant has been identified in 3/251476 chromosomes in the general population by the Genome Aggregation Database (gnomAD). The available evidence is insufficient to determine the role of this variant in disease conclusively. Therefore, this variant is classified as a Variant of Uncertain Significance.

This study involves interpretation of variants in research participants for the purpose of population health screening. Participant phenotype was not available at the time of variant classification. Additional details can be found in publication PMID: 35346344, PMCID: PMC8962531

Baylor Genetics
Classification: Uncertain significance for Multiple Endocrine Neoplasia Type 1. Last evaluated: 2023-11-20. Review status: criteria provided, single submitter. Criteria: ACMG Guidelines, 2015. Collection method: clinical testing. Allele origin: unknown.

NM_001370259.2(MEN1):c.940C>T (p.Arg314Trp)

Gene: MEN1 (menin 1; minus strand). Cytogenetic location: 11q13.1.
Variant type: single nucleotide variant.
Coding change: c.940C>T on transcript NM_001370259.2 (MANE Select); coding-DNA position 940, C replaced by T.
Protein change: p.Arg314Trp; replaces arginine 314 with tryptophan.
Molecular consequence: missense variant.
Genome position (GRCh38, 1-based): chr11:64,806,341, G>A on the plus strand (C>T on the coding strand, the complement: MEN1 is on the minus strand). VCF-style: chr11-64806341-G-A. GRCh37 (hg19) VCF-style: chr11-64573813-G-A.
Other names: c.955C>T, p.Arg319Trp (NM_000244.4, NM_130800.3, NM_130801.3 and 3 more transcripts); c.940C>T, p.Arg314Trp (NM_001370251.2, NM_001370260.2, NM_001370261.2 and 1 more transcripts); c.835C>T, p.Arg279Trp (NM_001370262.2, NM_001370263.2); short protein forms R314W, R279W, R319W.
Identifiers: ClinVar variation 849297 (VCV000849297.11), dbSNP rs139936447, ClinGen allele CA061850.